The following is an entry in ClinVar:

NM_001194998.2(CEP152):c.411A>G (p.Lys137=)

Gene: CEP152 (centrosomal protein 152; minus strand). Cytogenetic location: 15q21.1.
Variant type: single nucleotide variant.
Coding change: c.411A>G on transcript NM_001194998.2 (MANE Select); coding-DNA position 411, A replaced by G.
Protein change: p.Lys137=; no amino-acid change (lysine 137 retained).
Molecular consequence: synonymous variant.
Genome position (GRCh38, 1-based): chr15:48,797,430, T>C on the plus strand (A>G on the coding strand, the complement: CEP152 is on the minus strand). VCF-style: chr15-48797430-T-C. GRCh37 (hg19) VCF-style: chr15-49089627-T-C.
Other names: c.411A>G, p.Lys137= (NM_014985.4).
Identifiers: ClinVar variation 1980516 (VCV001980516.4), dbSNP rs770232489, ClinGen allele CA7549127.

ClinVar aggregate classification (germline): Uncertain significance (1 of 4 stars; one submission).

Allele frequency attached by ClinVar (database versions not stated): gnomAD exomes 0.00001; ExAC 0.00002; gnomAD 0.00001.
gnomAD v4.1: 15 of 1,614,064 alleles (0.00093%); highest among the groups gnomAD compares: East Asian, 0.0022%; no homozygotes.

Submission:

Labcorp Genetics (formerly Invitae), Labcorp
Classification: Uncertain significance. Last evaluated: 2024-01-17. Review status: criteria provided, single submitter. Criteria: Invitae Variant Classification Sherloc (09022015). Collection method: clinical testing. Allele origin: germline.
Comment: This sequence change affects codon 137 of the CEP152 mRNA. It is a 'silent' change, meaning that it does not change the encoded amino acid sequence of the CEP152 protein. This variant is present in population databases (rs770232489, gnomAD 0.006%). This variant has not been reported in the literature in individuals affected with CEP152-related conditions. ClinVar contains an entry for this variant (Variation ID: 1980516). Algorithms developed to predict the effect of sequence changes on RNA splicing suggest that this variant may disrupt the consensus splice site. In summary, the available evidence is currently insufficient to determine the role of this variant in disease. Therefore, it has been classified as a Variant of Uncertain Significance.